The following is an entry in ClinVar:

NM_015895.5(GMNN):c.590G>A (p.Gly197Glu)

Gene: GMNN (geminin DNA replication inhibitor; plus strand). Cytogenetic location: 6p22.3.
Variant type: single nucleotide variant.
Coding change: c.590G>A on transcript NM_015895.5 (MANE Select); coding-DNA position 590, G replaced by A.
Protein change: p.Gly197Glu; replaces glycine 197 with glutamic acid.
Molecular consequence: missense variant.
Genome position (GRCh38, 1-based): chr6:24,785,759, G>A. VCF-style: chr6-24785759-G-A. GRCh37 (hg19) VCF-style: chr6-24785987-G-A.
Other names: c.590G>A, p.Gly197Glu (NM_001251991.1, NM_001251989.2, NM_001251990.2); short protein forms G197E.
Identifiers: ClinVar variation 3651845 (VCV003651845.2).

ClinVar aggregate classification (germline): Uncertain significance (1 of 4 stars; one submission).

Submission:

Labcorp Genetics (formerly Invitae), Labcorp
Classification: Uncertain significance. Last evaluated: 2024-05-02. Review status: criteria provided, single submitter. Criteria: Invitae Variant Classification Sherloc (09022015). Collection method: clinical testing. Allele origin: germline.
Comment: This sequence change replaces glycine, which is neutral and non-polar, with glutamic acid, which is acidic and polar, at codon 197 of the GMNN protein (p.Gly197Glu). This variant is not present in population databases (gnomAD no frequency). This variant has not been reported in the literature in individuals affected with GMNN-related conditions. Algorithms developed to predict the effect of missense changes on protein structure and function output the following: SIFT: "Not Available"; PolyPhen-2: "Benign"; Align-GVGD: "Not Available". The glutamic acid amino acid residue is found in multiple mammalian species, which suggests that this missense change does not adversely affect protein function. In summary, the available evidence is currently insufficient to determine the role of this variant in disease. Therefore, it has been classified as a Variant of Uncertain Significance.